The following is an entry in ClinVar:

NM_000061.3(BTK):c.1690T>C (p.Ser564Pro)

Gene: BTK (Bruton tyrosine kinase; minus strand). Cytogenetic location: Xq22.1.
Variant type: single nucleotide variant.
Coding change: c.1690T>C on transcript NM_000061.3 (MANE Select); coding-DNA position 1690, T replaced by C.
Protein change: p.Ser564Pro; replaces serine 564 with proline.
Molecular consequence: missense variant.
Genome position (GRCh38, 1-based): chrX:101,353,930, A>G on the plus strand (T>C on the coding strand, the complement: BTK is on the minus strand). VCF-style: chrX-101353930-A-G. GRCh37 (hg19) VCF-style: chrX-100608918-A-G.
Other names: c.1792T>C, p.Ser598Pro (NM_001287344.2); c.1162T>C, p.Ser388Pro (NM_001287345.2); short protein forms S388P, S564P, S598P.
Identifiers: ClinVar variation 1675116 (VCV001675116.3), dbSNP rs2147424985, ClinGen allele CA413920523.
Genomic context (GRCh38, chrX:101,353,930, plus strand): 5'-CAAAAGCCCAAATGTCAGATTTGCTGCTGAACTTGCTATACATCAGGACTTCCGGTGGGG[A>G]CCACCGGACTGGAAATTTGGAGCCTACTGAGCTTGTGTATTCATCATCCAGGACATACCT-3'
Protein context (NP_000052.1, residues 554-574): SVGSKFPVRW[Ser564Pro]PPEVLMYSKF

ClinVar aggregate classification (germline): Uncertain significance (1 of 4 stars; one submission).

Conditions:
X-linked agammaglobulinemia with growth hormone deficiency (IGHD3). Also called: FLEISHER SYNDROME; HYPOGAMMAGLOBULINEMIA AND ISOLATED GROWTH HORMONE DEFICIENCY, X-LINKED; IGHD III; ISOLATED GROWTH HORMONE DEFICIENCY, TYPE III, WITH AGAMMAGLOBULINEMIA; AGAMMAGLOBULINEMIA AND ISOLATED GROWTH HORMONE DEFICIENCY, X-LINKED; Isolated growth hormone deficiency type 3. Identifiers: Orphanet 231692, Orphanet 631, MedGen C0472813, MONDO:0010615, OMIM 307200.
X-linked agammaglobulinemia (XLA). Also called: Agammaglobulinemia, Bruton tyrosine kinase; Agammaglobulinemia, BTK; BTK-deficiency; IMMUNODEFICIENCY 1; Bruton's agammaglobulinemia; AGAMMAGLOBULINEMIA, X-LINKED, TYPE 1. Identifiers: Orphanet 229717, Orphanet 47, MedGen C0221026, MONDO:0010421, OMIM 300755.

Submission:

Center for Genomics, Ann and Robert H. Lurie Children's Hospital of Chicago
Classification: Uncertain significance for X-linked agammaglobulinemia; X-linked agammaglobulinemia with growth hormone deficiency. Review status: criteria provided, single submitter. Criteria: ACMG Guidelines, 2015. Collection method: clinical testing. Allele origin: germline.
Comment: BTK NM_000061.2 exon 17 p.Ser564Pro (c.1690T>C): This variant has been reported in the literature as associated with X-linked Agammaglobulinaemia in at least one patient (publication unavailable for review: Wang (2012) Chin J Evid Based Pediatr Vol. 7 (1): 4-10), and is not present in large control databases. Evolutionary conservation and computational predictive tools suggest that this variant may impact the protein. This missense variant is present in the kinase (SH1) domain of the BTK protein (PMID: 15024743). Down regulation of BTK function is associated with X-linked agammaglobulinemia (XLA). In summary, data on this variant is insufficient for disease classification. Therefore, the clinical significance of this variant is uncertain.